The following is an entry in ClinVar:

NM_000038.6(APC):c.1813G>A (p.Asp605Asn)

Gene: APC (APC regulator of Wnt signaling pathway; plus strand). Cytogenetic location: 5q22.2.
Variant type: single nucleotide variant.
Coding change: c.1813G>A on transcript NM_000038.6 (MANE Select); coding-DNA position 1813, G replaced by A.
Protein change: p.Asp605Asn; replaces aspartic acid 605 with asparagine.
Molecular consequence: missense variant.
Genome position (GRCh38, 1-based): chr5:112,835,020, G>A. VCF-style: chr5-112835020-G-A. GRCh37 (hg19) VCF-style: chr5-112170717-G-A.
Other names: c.1813G>A, p.Asp605Asn (NM_001127510.3, NM_001354895.2); c.1759G>A, p.Asp587Asn (NM_001127511.3); c.1867G>A, p.Asp623Asn (NM_001354896.2); c.1843G>A, p.Asp615Asn (NM_001354897.2); c.1738G>A, p.Asp580Asn (NM_001354898.2); c.1729G>A, p.Asp577Asn (NM_001354899.2); c.1690G>A, p.Asp564Asn (NM_001354900.2); c.1636G>A, p.Asp546Asn (NM_001354901.2); and 5 more; short protein forms D605N, D587N, D322N, D445N, D546N, D577N, D580N, D623N.
Identifiers: ClinVar variation 411378 (VCV000411378.43), dbSNP rs1060503278, ClinGen allele CA16025287.

ClinVar aggregate classification (germline): Uncertain significance. Review status: criteria provided, multiple submitters, no conflicts (2 of 4 stars). 5 submissions from 5 submitters: Uncertain significance (5). Last evaluated 2025-10-21.

Conditions:
Hereditary cancer-predisposing syndrome. Also called: Tumor predisposition; Hereditary neoplastic syndrome; Hereditary Cancer Syndrome; Neoplastic Syndromes, Hereditary. Identifiers: Orphanet 140162, MedGen C0027672, MeSH D009386, MONDO:0015356.
Familial adenomatous polyposis 1 (FAP1). Also called: FAMILIAL ADENOMATOUS POLYPOSIS 1, ATTENUATED; POLYPOSIS, ADENOMATOUS INTESTINAL. Identifiers: MedGen C2713442, MONDO:0021056, OMIM 175100. Disease mechanism: loss of function.

Allele frequency attached by ClinVar (database versions not stated): gnomAD exomes below 0.00001.
gnomAD v4.1: 2 of 1,614,130 alleles (0.00012%); highest among the groups gnomAD compares: Non-Finnish European, 0.000085%; no homozygotes.

Submissions (5):

Labcorp Genetics (formerly Invitae), Labcorp
Classification: Uncertain significance for Familial adenomatous polyposis 1. Last evaluated: 2025-10-21. Review status: criteria provided, single submitter. Criteria: Invitae Variant Classification Sherloc (09022015). Collection method: clinical testing. Allele origin: germline.
Comment: This sequence change replaces aspartic acid, which is acidic and polar, with asparagine, which is neutral and polar, at codon 605 of the APC protein (p.Asp605Asn). This variant is not present in population databases (gnomAD no frequency). This variant has not been reported in the literature in individuals affected with APC-related conditions. ClinVar contains an entry for this variant (Variation ID: 411378). Invitae Evidence Modeling of protein sequence and biophysical properties (such as structural, functional, and spatial information, amino acid conservation, physicochemical variation, residue mobility, and thermodynamic stability) indicates that this missense variant is not expected to disrupt APC protein function with a negative predictive value of 95%. In summary, the available evidence is currently insufficient to determine the role of this variant in disease. Therefore, it has been classified as a Variant of Uncertain Significance.

Ambry Genetics
Classification: Uncertain significance for Hereditary cancer-predisposing syndrome. Last evaluated: 2024-09-30. Review status: criteria provided, single submitter. Criteria: Ambry Variant Classification Scheme 2023. Collection method: clinical testing. Allele origin: germline.
Comment: The p.D605N variant (also known as c.1813G>A), located in coding exon 14 of the APC gene, results from a G to A substitution at nucleotide position 1813. The aspartic acid at codon 605 is replaced by asparagine, an amino acid with highly similar properties. This amino acid position is highly conserved in available vertebrate species. In addition, in silico predictors for this gene do not accurately predict pathogenicity. Missense alterations in APC are not a common cause of disease (Spier I et al. Genet Med. 2024 Feb;26(2):100992). Based on the available evidence, the clinical significance of this variant remains unclear.

Color Diagnostics, LLC DBA Color Health
Classification: Uncertain significance for Hereditary cancer-predisposing syndrome. Last evaluated: 2024-03-06. Review status: criteria provided, single submitter. Criteria: ACMG Guidelines, 2015. Collection method: clinical testing. Allele origin: germline.
Comment: This missense variant replaces aspartic acid with asparagine at codon 605 of the APC protein. Computational prediction suggests that this variant may not impact protein structure and function (internally defined REVEL score threshold <= 0.5, PMID: 27666373). To our knowledge, functional studies have not been reported for this variant. This variant has not been reported in individuals affected with APC-related disorders in the literature. This variant has not been identified in the general population by the Genome Aggregation Database (gnomAD). The available evidence is insufficient to determine the role of this variant in disease conclusively. Therefore, this variant is classified as a Variant of Uncertain Significance.

GeneDx
Classification: Uncertain significance. Last evaluated: 2023-11-30. Review status: criteria provided, single submitter. Criteria: GeneDx Variant Classification Process June 2021. Collection method: clinical testing. Allele origin: germline. Affected: yes.
Comment: Not observed at significant frequency in large population cohorts (gnomAD); In silico analysis supports that this missense variant does not alter protein structure/function; Has not been previously published as pathogenic or benign to our knowledge; This variant is associated with the following publications: (PMID: 18199528)

CeGaT Center for Human Genetics Tuebingen
Classification: Uncertain significance. Last evaluated: 2022-09-01. Review status: criteria provided, single submitter. Criteria: CeGaT Center For Human Genetics Tuebingen Variant Classification Criteria Version 2. Collection method: clinical testing. Allele origin: germline. Affected: yes. Observed: 1 variant allele.
Comment: APC: PM2, BP1